The following is an entry in ClinVar:

NM_001377265.1(MAPT):c.1315C>T (p.Arg439Trp)

Gene: MAPT (microtubule associated protein tau). Cytogenetic location: 17q21.31.
Variant type: single nucleotide variant.
Coding change: c.1315C>T on transcript NM_001377265.1 (MANE Select); coding-DNA position 1315, C replaced by T.
Protein change: p.Arg439Trp; replaces arginine 439 with tryptophan.
Molecular consequence: missense variant. On other transcripts: intron variant (8).
Genome position (GRCh38, 1-based): chr17:45,983,894, C>T. VCF-style: chr17-45983894-C-T. GRCh37 (hg19) VCF-style: chr17-44061260-C-T.
Other names: c.1090C>T, p.Arg364Trp (NM_001123066.4, NM_016835.5); c.1315C>T, p.Arg439Trp (NM_001377266.1); c.200-3146C>T (NM_001377268.1, NM_016834.5, NM_016841.5); c.374-3146C>T (NM_005910.6, NM_001203252.2); c.287-3146C>T (NM_001123067.4, NM_001203251.2, NM_001377267.1); short protein forms R364W, R439W.
Identifiers: ClinVar variation 3776504 (VCV003776504.1).

ClinVar aggregate classification (germline): Uncertain significance (1 of 4 stars; one submission).

gnomAD v4.1: 8 of 1,584,932 alleles (0.0005%); highest among the groups gnomAD compares: Admixed American, 0.0057%; no homozygotes.

Submission:

GeneDx
Classification: Uncertain significance. Last evaluated: 2024-10-04. Review status: criteria provided, single submitter. Criteria: GeneDx Variant Classification Process June 2021. Collection method: clinical testing. Allele origin: germline. Affected: yes.
Comment: In silico analysis indicates that this missense variant does not alter protein structure/function; Has not been previously published as pathogenic or benign to our knowledge; Reported using an alternate transcript of the gene